The following is an entry in ClinVar:

NM_015000.4(STK38L):c.-7C>T

Gene: STK38L (serine/threonine kinase 38 like; plus strand). Cytogenetic location: 12p11.23.
Variant type: single nucleotide variant.
Coding change: c.-7C>T on transcript NM_015000.4 (MANE Select); 7 bases upstream of the start codon, C replaced by T.
Molecular consequence: 5 prime UTR variant.
Genome position (GRCh38, 1-based): chr12:27,297,714, C>T. VCF-style: chr12-27297714-C-T. GRCh37 (hg19) VCF-style: chr12-27450647-C-T.
Identifiers: ClinVar variation 3039732 (VCV003039732.2), dbSNP rs111309830, ClinGen allele CA6491902.

ClinVar aggregate classification (germline): Benign (0 of 4 stars; one submission).

Conditions:
STK38L-related disorder. Also called: STK38L-related condition.

Allele frequency attached by ClinVar (database versions not stated): gnomAD exomes 0.00065; ExAC 0.00175; 1000 Genomes Project 0.00499; 1000 Genomes Project 30x 0.00500; gnomAD 0.00604; TOPMed 0.00686; ESP Exome Variant Server 0.00715.
gnomAD v4.1: 1,909 of 1,603,768 alleles (0.12%); highest among the groups gnomAD compares: African/African-American, 2.1%; 24 homozygotes.

Submission:

PreventionGenetics, part of Exact Sciences
Classification: Benign for STK38L-related condition. Last evaluated: 2019-12-16. Review status: no assertion criteria provided. Collection method: clinical testing. Allele origin: germline.
Comment: This variant is classified as benign based on ACMG/AMP sequence variant interpretation guidelines (Richards et al. 2015 PMID: 25741868, with internal and published modifications).